The following is an entry in ClinVar:

NM_001845.6(COL4A1):c.1121-1G>C

Gene: COL4A1 (collagen type IV alpha 1 chain; minus strand). Cytogenetic location: 13q34.
Variant type: single nucleotide variant.
Coding change: c.1121-1G>C on transcript NM_001845.6 (MANE Select); the canonical splice acceptor site of the intron before coding-DNA position 1121, G replaced by C.
Molecular consequence: splice acceptor variant.
Genome position (GRCh38, 1-based): chr13:110,198,632, C>G on the plus strand (G>C on the coding strand, the complement: COL4A1 is on the minus strand). VCF-style: chr13-110198632-C-G. GRCh37 (hg19) VCF-style: chr13-110850979-C-G.
Other names: c.1121-1G>C (NM_001303110.2).
Identifiers: ClinVar variation 4819072 (VCV004819072.1).

ClinVar aggregate classification (germline): Likely pathogenic (1 of 4 stars; one submission).

Conditions:
COL4A1-related disorder. Also called: COL4A1-related disorders; COL4A1-related condition. Identifiers: MedGen CN376119, MONDO:0800461.

Submission:

Victorian Clinical Genetics Services, Murdoch Childrens Research Institute
Classification: Likely pathogenic for COL4A1-related disorder. Last evaluated: 2026-02-03. Review status: criteria provided, single submitter. Criteria: ACMG Guidelines, 2015. Collection method: clinical testing. Allele origin: germline. Affected: yes.
Comment: This variant is classified as Likely pathogenic. Evidence in support of pathogenic classification: Canonical splice site variant without proven consequence on splicing (no functional evidence available); Variant is absent from gnomAD (v2, v3 and v4); Another splice variant comparable to the one identified in this case has limited previous evidence for pathogenicity. c.1121-2dupA has been reported in the literature in an individual with porencephaly, intellectual disability, and epilepsy. This variant was inherited from their unaffected father (PMID: 23225343); Abnormal splicing is predicted by in silico tool and affected nucleotide is highly conserved. Additional information: This variant is heterozygous; This gene is associated with autosomal dominant disease; This variant has no previous evidence of pathogenicity; No published evidence of segregation with disease has been identified for this variant; No published functional evidence has been identified for this variant; Loss of function is a known mechanism of disease in this gene and is associated with COL4A1-related disorder (MONDO:0800461). Glycine substitutions affecting the Gly-X-Y repeat motif are known to have a dominant-negative mechanism of disease in other collagen genes, but conclusive functional evidence of a dominant-negative mechanism in this gene is not available (PMID: 16159887, 1867713, 23225343); The condition associated with this gene has incomplete penetrance (PMID: 21625620, 30413629); Variants in this gene are known to have variable expressivity. Intrafamilial and interfamilial variation have been described in a number of affected families (PMID: 25719457); Inheritance information for this variant is not currently available in this individual.

Literature cited by the submitters: PubMed 23225343; PubMed 1867713; PubMed 21625620; PubMed 16159887; PubMed 30413629; PubMed 25719457.